The following is an entry in ClinVar:

ClinVar aggregate classification (germline): Uncertain significance. Review status: criteria provided, multiple submitters, no conflicts (2 of 4 stars). 4 submissions from 4 submitters: Uncertain significance (2). 2 of the submissions do not count toward it. Last evaluated 2023-07-25.

Conditions:
Cohen syndrome (COH1). Also called: PEPPER SYNDROME; Cutis verticis gyrata, retinitis pigmentosa, and sensorineural deafness. Identifiers: Orphanet 193, MedGen C0265223, MONDO:0008999, OMIM 216550.
VPS13B-related disorder. Also called: VPS13B-related condition.

Allele frequency attached by ClinVar (database versions not stated): gnomAD exomes 0.00001 and 0.00002; ExAC 0.00003; ESP Exome Variant Server 0.00008; gnomAD 0.00009 and 0.00010; TOPMed 0.00009; 1000 Genomes Project 0.00020; 1000 Genomes Project 30x 0.00031.
gnomAD v4.1: 26 of 1,601,682 alleles (0.0016%); highest among the groups gnomAD compares: African/African-American, 0.028%; no homozygotes.

Submissions (4):

Mayo Clinic Laboratories, Mayo Clinic
Classification: Uncertain significance. Last evaluated: 2023-07-25. Review status: criteria provided, single submitter. Criteria: ACMG Guidelines, 2015. Collection method: clinical testing. Allele origin: germline. Observed: 1 variant allele.
Comment: BP1, PP3

Labcorp Genetics (formerly Invitae), Labcorp
Classification: Uncertain significance for Cohen syndrome. Last evaluated: 2022-07-19. Review status: criteria provided, single submitter. Criteria: Invitae Variant Classification Sherloc (09022015). Collection method: clinical testing. Allele origin: germline.
Comment: This sequence change replaces arginine, which is basic and polar, with cysteine, which is neutral and slightly polar, at codon 237 of the VPS13B protein (p.Arg237Cys). This variant is present in population databases (rs376296532, gnomAD 0.03%). This variant has not been reported in the literature in individuals affected with VPS13B-related conditions. ClinVar contains an entry for this variant (Variation ID: 1015320). Algorithms developed to predict the effect of missense changes on protein structure and function are either unavailable or do not agree on the potential impact of this missense change (SIFT: "Not Available"; PolyPhen-2: "Possibly Damaging"; Align-GVGD: "Not Available"). In summary, the available evidence is currently insufficient to determine the role of this variant in disease. Therefore, it has been classified as a Variant of Uncertain Significance.

PreventionGenetics, part of Exact Sciences
Classification: Uncertain significance for VPS13B-related condition. Last evaluated: 2024-09-09. Review status: no assertion criteria provided. Collection method: clinical testing. Allele origin: germline. Not counted in ClinVar's aggregate classification.
Comment: The VPS13B c.709C>T variant is predicted to result in the amino acid substitution p.Arg237Cys. To our knowledge, this variant has not been reported in the literature. A different missense change impacting the same amino acid (p.Arg237His) was reported in trans with another VPS13B variant and a de novo variant in TCT12 in an individual with a neurodevelopmental disorder, (Table S2, Liu et Al. 2016. PubMed ID: 32959227). This variant is reported in 0.024% of alleles in individuals of African descent in gnomAD. At this time, the clinical significance of this variant is uncertain due to the absence of conclusive functional and genetic evidence.

Natera, Inc.
Classification: Uncertain significance for Cohen syndrome. Last evaluated: 2020-04-23. Review status: no assertion criteria provided. Collection method: clinical testing. Allele origin: germline. Not counted in ClinVar's aggregate classification.

NM_152564.5(VPS13B):c.709C>T (p.Arg237Cys)

Gene: VPS13B (vacuolar protein sorting 13 homolog B; plus strand). Cytogenetic location: 8q22.2.
Variant type: single nucleotide variant.
Coding change: c.709C>T on transcript NM_152564.5 (MANE Select); coding-DNA position 709, C replaced by T.
Protein change: p.Arg237Cys; replaces arginine 237 with cysteine.
Molecular consequence: missense variant. On other transcripts: non-coding transcript variant (1).
Genome position (GRCh38, 1-based): chr8:99,111,226, C>T. VCF-style: chr8-99111226-C-T. GRCh37 (hg19) VCF-style: chr8-100123454-C-T.
Other names: p.Arg237Cys; c.709C>T, p.Arg237Cys (NM_015243.3, NM_017890.5, NM_181661.3); c.709C>T (NM_152564.4, NM_017890.4); short protein forms R237C.
Identifiers: ClinVar variation 1015320 (VCV001015320.9), dbSNP rs376296532, ClinGen allele CA4822448.